The following is an entry in ClinVar:

ClinVar aggregate classification (germline): Likely benign. Review status: criteria provided, multiple submitters, no conflicts (2 of 4 stars). 5 submissions from 4 submitters: Likely benign (5). Last evaluated 2025-06-27.

Conditions:
Popliteal pterygium syndrome (PPS). Identifiers: Orphanet 294963, MedGen C0265259, MONDO:0017435.
Van der Woude syndrome. Identifiers: Orphanet 888, MedGen C0175697, MONDO:0019508.
Orofacial cleft 6, susceptibility to (OFC6). Also called: CLEFT LIP WITH OR WITHOUT CLEFT PALATE, NONSYNDROMIC, 6. Identifiers: MedGen C1837213, MONDO:0012141, OMIM 608864.
Van der Woude syndrome 1. Also called: van der Woude Syndrome (VWS); CLEFT LIP AND/OR PALATE WITH MUCOUS CYSTS OF LOWER LIP. Identifiers: MedGen C4551864, MONDO:0007333, OMIM 119300.

Allele frequency attached by ClinVar (database versions not stated): TOPMed 0.00007; gnomAD 0.00009 and 0.00011; gnomAD exomes 0.00012 and 0.00016; ExAC 0.00022; 1000 Genomes Project 30x 0.00031; 1000 Genomes Project 0.00040.

Submissions (5):

Labcorp Genetics (formerly Invitae), Labcorp
Classification: Likely benign for Orofacial cleft 6, susceptibility to; Van der Woude syndrome; Popliteal pterygium syndrome. Last evaluated: 2025-06-27. Review status: criteria provided, single submitter. Criteria: Invitae Variant Classification Sherloc (09022015). Collection method: clinical testing. Allele origin: germline.

Blueprint Genetics
Classification: Likely benign. Last evaluated: 2024-10-10. Review status: criteria provided, single submitter. Criteria: ACMG Guidelines, 2015. Collection method: clinical testing. Allele origin: germline.

CeGaT Center for Human Genetics Tuebingen
Classification: Likely benign. Last evaluated: 2023-06-01. Review status: criteria provided, single submitter. Criteria: CeGaT Center For Human Genetics Tuebingen Variant Classification Criteria Version 2. Collection method: clinical testing. Allele origin: germline. Affected: yes. Observed: 1 variant allele.
Comment: IRF6: BP4, BP7

Illumina Laboratory Services, Illumina
Classification: Likely benign for Van der Woude syndrome 1. Last evaluated: 2017-04-27. Review status: criteria provided, single submitter. Criteria: ICSL Variant Classification Criteria 13 December 2019. Collection method: clinical testing. Allele origin: germline.
Comment: This variant was observed as part of a predisposition screen in an ostensibly healthy population. A literature search was performed for the gene, cDNA change, and amino acid change (where applicable). Publications were found based on this search. The evidence from the literature, in combination with allele frequency data from public databases where available, was sufficient to determine this variant is unlikely to cause disease. Therefore, this variant is classified as likely benign.

Illumina Laboratory Services, Illumina
Classification: Likely benign for Orofacial cleft 6, susceptibility to. Last evaluated: 2017-04-27. Review status: criteria provided, single submitter. Criteria: ICSL Variant Classification Criteria 13 December 2019. Collection method: clinical testing. Allele origin: germline.
Comment: This variant was observed as part of a predisposition screen in an ostensibly healthy population. A literature search was performed for the gene, cDNA change, and amino acid change (where applicable). No publications were found based on this search. Allele frequency data from public databases allowed determination this variant is unlikely to cause disease. Therefore, this variant is classified as likely benign.

Literature cited by the submitters: PubMed 20301581 (cited by Illumina Laboratory Services, Illumina); PubMed 19282774 (cited by Illumina Laboratory Services, Illumina).

NM_006147.4(IRF6):c.711C>T (p.Tyr237=)

Gene: IRF6 (interferon regulatory factor 6; minus strand). Cytogenetic location: 1q32.2.
Variant type: single nucleotide variant.
Coding change: c.711C>T on transcript NM_006147.4 (MANE Select); coding-DNA position 711, C replaced by T.
Protein change: p.Tyr237=; no amino-acid change (tyrosine 237 retained).
Molecular consequence: synonymous variant.
Genome position (GRCh38, 1-based): chr1:209,790,844, G>A on the plus strand (C>T on the coding strand, the complement: IRF6 is on the minus strand). VCF-style: chr1-209790844-G-A. GRCh37 (hg19) VCF-style: chr1-209964189-G-A.
Other names: c.426C>T, p.Tyr142= (NM_001206696.2).
Identifiers: ClinVar variation 295208 (VCV000295208.36), dbSNP rs201940391, ClinGen allele CA1377254.